The following is an entry in ClinVar:

NM_001270.4(CHD1):c.3560C>G (p.Thr1187Arg)

Gene: CHD1 (chromodomain helicase DNA binding protein 1; minus strand). Cytogenetic location: 5q15.
Variant type: single nucleotide variant.
Coding change: c.3560C>G on transcript NM_001270.4 (MANE Select); coding-DNA position 3560, C replaced by G.
Protein change: p.Thr1187Arg; replaces threonine 1187 with arginine.
Molecular consequence: missense variant. On other transcripts: non-coding transcript variant (2).
Genome position (GRCh38, 1-based): chr5:98,873,604, G>C on the plus strand (C>G on the coding strand, the complement: CHD1 is on the minus strand). VCF-style: chr5-98873604-G-C. GRCh37 (hg19) VCF-style: chr5-98209308-G-C.
Other names: c.3560C>G, p.Thr1187Arg (NM_001364113.3, NM_001376194.2); short protein forms T1187R.
Identifiers: ClinVar variation 4881008 (VCV004881008.2).

ClinVar aggregate classification (germline): Uncertain significance (1 of 4 stars; one submission).

Submission:

Dasa
Classification: Uncertain significance. Last evaluated: 2025-09-27. Review status: criteria provided, single submitter. Criteria: DASA Assertion Criteria. Collection method: clinical testing. Allele origin: germline.
Comment: NM_001270.4(CHD1):c.3560C>G (p.Thr1187Arg) is a missense variant that results in the substitution of threonine with arginine. This variant is absent from population databases. The currently available literature and clinical evidence are not sufficient to establish a definitive association between this variant and the reported condition. Therefore, this variant is classified as a variant of uncertain significance.